The following is an entry in ClinVar:

NM_000479.5(AMH):c.451C>T (p.Pro151Ser)

Gene: AMH (anti-Mullerian hormone; plus strand). Cytogenetic location: 19p13.3.
Variant type: single nucleotide variant.
Coding change: c.451C>T on transcript NM_000479.5 (MANE Select); coding-DNA position 451, C replaced by T.
Protein change: p.Pro151Ser; replaces proline 151 with serine.
Molecular consequence: missense variant.
Genome position (GRCh38, 1-based): chr19:2,250,375, C>T. VCF-style: chr19-2250375-C-T. GRCh37 (hg19) VCF-style: chr19-2250374-C-T.
Other names: c.451C>T (NM_000479.4); short protein forms P151S.
Identifiers: ClinVar variation 3665082 (VCV003665082.5).

ClinVar aggregate classification (germline): Pathogenic/Likely pathogenic. Review status: criteria provided, multiple submitters, no conflicts (2 of 4 stars). 3 submissions from 3 submitters: Pathogenic (2); Likely pathogenic (1). Last evaluated 2025-10-16.

Conditions:
Persistent Mullerian duct syndrome (PMDS). Also called: PERSISTENT MULLERIAN DUCT SYNDROME, TYPES I AND II; FEMALE GENITAL DUCTS IN OTHERWISE NORMAL MALE; HERNIA UTERI INGUINALE; PERSISTENT OVIDUCT SYNDROME; PSEUDOHERMAPHRODITISM, MALE INTERNAL. Identifiers: Orphanet 2856, MedGen C1849930, MONDO:0009857, OMIM 261550.
AMH-related disorder. Also called: AMH-related condition.

Submissions (3):

Women's Health and Genetics/Laboratory Corporation of America, LabCorp
Classification: Pathogenic for Persistent Mullerian duct syndrome. Last evaluated: 2025-10-16. Review status: criteria provided, single submitter. Criteria: LabCorp Variant Classification Summary - May 2015. Collection method: clinical testing. Allele origin: germline.
Comment: Variant summary: AMH c.451C>T (p.Pro151Ser) results in a non-conservative amino acid change in the encoded protein sequence. Algorithms developed to predict the effect of missense changes on protein structure and function are either unavailable or do not agree on the potential impact of this missense change. The variant allele was found at a frequency of 3.8e-05 in 213252 control chromosomes. c.451C>T has been observed in multiple individuals affected with Persistent Mullerian duct syndrome and Polycystic Ovary Syndrome (examples, Malone_2019, Picard_2017, Gorsic_2017). These data indicate that the variant is likely to be associated with disease. At least one publication reports experimental evidence evaluating an impact on protein function. The most pronounced variant effect results in almost diminished AMH secretion in COS-7 cells (Malone_2019). The following publications have been ascertained in the context of this evaluation (PMID: 28505284, 31291191, 28528332). ClinVar contains an entry for this variant (Variation ID: 3665082). Based on the evidence outlined above, the variant was classified as pathogenic.

PreventionGenetics, part of Exact Sciences
Classification: Likely pathogenic for AMH-related condition. Last evaluated: 2025-10-03. Review status: criteria provided, single submitter. Criteria: ACMG Guidelines, 2015. Collection method: clinical testing. Allele origin: germline.
Comment: The AMH c.451C>T variant is predicted to result in the amino acid substitution p.Pro151Ser. This variant has been reported in female individuals with polycystic ovary syndrome (Gorsic et al 2017. PubMed ID: 28505284; Gorsic et al 2019. PubMed ID: 30786001), and in male individuals with persistent Müllerian duct syndrome (Supplemental Table 1, Picard et al 2017. PubMed ID: 28528332). In addition, this variant has also been reported in individuals with hypogonadotropic hypogonadism (Malone et al 2019. PubMed ID: 31291191). Functional studies showed that this variant has significantly reduced AMH signaling activity as well as AMH protein secretion in vitro (Gorsic et al 2017. PubMed ID: 28505284; Gorsic et al 2019. PubMed ID: 30786001; Malone et al 2019. PubMed ID: 31291191; Meng et al. 2023. PubMed ID: 37004205). This variant is reported in 0.011% of alleles in individuals of Ashkenazi Jewish descent in gnomAD. This variant is interpreted as likely pathogenic.

Labcorp Genetics (formerly Invitae), Labcorp
Classification: Pathogenic. Last evaluated: 2024-02-17. Review status: criteria provided, single submitter. Criteria: Invitae Variant Classification Sherloc (09022015). Collection method: clinical testing. Allele origin: germline.
Comment: This sequence change replaces proline, which is neutral and non-polar, with serine, which is neutral and polar, at codon 151 of the AMH protein (p.Pro151Ser). This variant is present in population databases (rs370532523, gnomAD 0.01%). This missense change has been observed in individual(s) with congenital hypogonadotropic hypogonadism and/or persistent Müllerian duct syndrome (PMID: 28528332, 31291191). This variant is also known as C670T. An algorithm developed to predict the effect of missense changes on protein structure and function (PolyPhen-2) suggests that this variant is likely to be disruptive. Experimental studies have shown that this missense change affects AMH function (PMID: 28505284, 31291191, 37004205). For these reasons, this variant has been classified as Pathogenic.

Literature cited by the submitters: PubMed 28505284 (cited by Women's Health and Genetics/Laboratory Corporation of America, LabCorp and Labcorp Genetics (formerly Invitae), Labcorp); PubMed 28528332 (cited by Women's Health and Genetics/Laboratory Corporation of America, LabCorp and Labcorp Genetics (formerly Invitae), Labcorp); PubMed 31291191 (cited by Women's Health and Genetics/Laboratory Corporation of America, LabCorp and Labcorp Genetics (formerly Invitae), Labcorp); PubMed 37004205 (cited by Labcorp Genetics (formerly Invitae), Labcorp).